The following is an entry in ClinVar:

NM_001909.5(CTSD):c.432G>A (p.Ser144=)

Gene: CTSD (cathepsin D; minus strand). Cytogenetic location: 11p15.5.
Variant type: single nucleotide variant.
Coding change: c.432G>A on transcript NM_001909.5 (MANE Select); coding-DNA position 432, G replaced by A.
Protein change: p.Ser144=; no amino-acid change (serine 144 retained).
Molecular consequence: synonymous variant.
Genome position (GRCh38, 1-based): chr11:1,759,008, C>T on the plus strand (G>A on the coding strand, the complement: CTSD is on the minus strand). VCF-style: chr11-1759008-C-T. GRCh37 (hg19) VCF-style: chr11-1780238-C-T.
Other names: p.S144S:TCG>TCA.
Identifiers: ClinVar variation 137057 (VCV000137057.13), dbSNP rs587780916, ClinGen allele CA290551.

ClinVar aggregate classification (germline): Benign/Likely benign. Review status: criteria provided, multiple submitters, no conflicts (2 of 4 stars). 4 submissions from 4 submitters: Benign (1); Likely benign (3). Last evaluated 2025-12-19.

Conditions:
Inborn genetic diseases. Identifiers: MedGen C0950123, MeSH D030342.
Neuronal ceroid lipofuscinosis. Also called: Neuronal Ceroid Lipofuscinoses. Identifiers: Orphanet 216, Orphanet 79263, MedGen C0027877, MONDO:0016295. Disease mechanism: loss of function.

Allele frequency attached by ClinVar (database versions not stated): gnomAD exomes 0.00002; gnomAD 0.00003; TOPMed 0.00003.
gnomAD v4.1: 30 of 1,612,940 alleles (0.0019%); highest among the groups gnomAD compares: South Asian, 0.0022%; no homozygotes.

Submissions (4):

Labcorp Genetics (formerly Invitae), Labcorp
Classification: Likely benign for Neuronal ceroid lipofuscinosis. Last evaluated: 2025-12-19. Review status: criteria provided, single submitter. Criteria: Invitae Variant Classification Sherloc (09022015). Collection method: clinical testing. Allele origin: germline.

Blueprint Genetics
Classification: Likely benign. Last evaluated: 2023-08-04. Review status: criteria provided, single submitter. Criteria: ACMG Guidelines, 2015. Collection method: clinical testing. Allele origin: germline.

Ambry Genetics
Classification: Likely benign for Inborn genetic diseases. Last evaluated: 2017-09-21. Review status: criteria provided, single submitter. Criteria: Ambry Variant Classification Scheme 2023. Collection method: clinical testing. Allele origin: germline.

GeneDx
Classification: Benign. Last evaluated: 2014-03-14. Review status: criteria provided, single submitter. Criteria: GeneDx Variant Classification (06012015). Collection method: clinical testing. Allele origin: germline. Affected: yes.
Comment: This variant is considered likely benign or benign based on one or more of the following criteria: it is a conservative change, it occurs at a poorly conserved position in the protein, it is predicted to be benign by multiple in silico algorithms, and/or has population frequency not consistent with disease.